The following is an entry in ClinVar:

NM_000451.4(SHOX):c.346A>G (p.Lys116Glu)

Genes: SHOX (SHOX homeobox; plus strand), LOC107652445 (meiotic recombination hotspot SHOX; plus strand). Cytogenetic location: Yp11.2.
Variant type: single nucleotide variant.
Coding change: c.346A>G on transcript NM_000451.4 (MANE Select); coding-DNA position 346, A replaced by G.
Protein change: p.Lys116Glu; replaces lysine 116 with glutamic acid.
Molecular consequence: missense variant.
Genome position (GRCh38, 1-based): chrX:634,686, A>G. VCF-style: chrX-634686-A-G. GRCh37 (hg19) VCF-style: chrX-595421-A-G.
Other names: c.346A>G, p.Lys116Glu (NM_006883.2); short protein forms K116E.
Identifiers: ClinVar variation 1685112 (VCV001685112.2), dbSNP rs1451917593, ClinGen allele CA412231291.

ClinVar aggregate classification (germline): Uncertain significance. Review status: criteria provided, multiple submitters, no conflicts (2 of 4 stars). 2 submissions from 2 submitters: Uncertain significance (2). Last evaluated 2024-05-23.

Allele frequency attached by ClinVar (database versions not stated): gnomAD exomes below 0.00001; TOPMed below 0.00001; gnomAD 0.00001.
gnomAD v4.1: 3 of 1,613,788 alleles (0.00019%); highest among the groups gnomAD compares: Non-Finnish European, 0.000085%; no homozygotes.

Submissions (2):

Women's Health and Genetics/Laboratory Corporation of America, LabCorp
Classification: Uncertain significance. Last evaluated: 2024-05-23. Review status: criteria provided, single submitter. Criteria: LabCorp Variant Classification Summary - May 2015. Collection method: clinical testing. Allele origin: germline.
Comment: Variant summary: SHOX c.346A>G (p.Lys116Glu) results in a conservative amino acid change located in the Homeobox domain (IPR001356) of the encoded protein sequence. Three of five in-silico tools predict a damaging effect of the variant on protein function. The variant allele was found at a frequency of 4e-06 in 249824 control chromosomes. The available data on variant occurrences in the general population are insufficient to allow any conclusion about variant significance. c.346A>G has been reported in the literature in an individual affected with Leri-Weill Dyschondrosteosis (Rappold_2006). These report(s) do not provide unequivocal conclusions about association of the variant with Leri-Weill Dyschondrosteosis. To our knowledge, no experimental evidence demonstrating an impact on protein function has been reported. The following publications have been ascertained in the context of this evaluation (PMID: 17047016, 17182655). ClinVar contains an entry for this variant (Variation ID: 1685112). Based on the evidence outlined above, the variant was classified as uncertain significance.

Mendelics
Classification: Uncertain significance. Last evaluated: 2022-05-04. Review status: criteria provided, single submitter. Criteria: Mendelics Assertion Criteria 2019. Collection method: clinical testing. Allele origin: germline.

Literature cited by the submitters: PubMed 17182655 (cited by Women's Health and Genetics/Laboratory Corporation of America, LabCorp); PubMed 17047016 (cited by Women's Health and Genetics/Laboratory Corporation of America, LabCorp).